The following is an entry in ClinVar:

NM_001136035.4(TRMT1):c.1584-834_1584-2del

Genes: TRMT1 (tRNA methyltransferase 1; minus strand), LOC130063689 (ATAC-STARR-seq lymphoblastoid silent region 10191; plus strand). Cytogenetic location: 19p13.13.
Variant type: Deletion.
Coding change: c.1584-834_1584-2del on transcript NM_001136035.4 (MANE Select); 834 bases into the intron before coding-DNA position 1584 through the canonical splice acceptor site of the intron before coding-DNA position 1584, 833 bases deleted.
Molecular consequence: splice acceptor variant.
Genome position (GRCh38, 1-based): chr19:13,105,608-13,106,440, 833 bases deleted. GRCh37 (hg19): chr19:13,216,422-13,217,254.
Other names: c.1476-834_1476-2del (NM_001351761.2); c.1497-834_1497-2del (NM_001351760.2, NM_001142554.3); c.801-834_801-2del (NM_001351762.2); c.1584-834_1584-2del (NM_017722.5).
Identifiers: ClinVar variation 3765818 (VCV003765818.1).

ClinVar aggregate classification (germline): Likely pathogenic (1 of 4 stars; one submission).

Conditions:
Intellectual developmental disorder, autosomal recessive 68. Also called: MENTAL RETARDATION, AUTOSOMAL RECESSIVE 68. Identifiers: MedGen C4749033, MONDO:0032665, OMIM 618302.

Submission:

Greenwood Genetic Center Diagnostic Laboratories, Greenwood Genetic Center
Classification: Likely pathogenic for Intellectual developmental disorder, autosomal recessive 68. Last evaluated: 2024-12-12. Review status: criteria provided, single submitter. Criteria: ACMG Guidelines, 2015. Collection method: clinical testing. Allele origin: germline. Affected: yes.
Comment: PP3_Strong, PM2